The following is an entry in ClinVar:

NM_000214.3(JAG1):c.190del (p.Arg64fs)

Gene: JAG1 (jagged canonical Notch ligand 1; minus strand). Cytogenetic location: 20p12.2.
Variant type: Deletion.
Coding change: c.190del on transcript NM_000214.3 (MANE Select); coding-DNA position 190, one base deleted (C; older notation c.190delC).
Protein change: p.Arg64fs; shifts the reading frame from arginine 64.
Molecular consequence: frameshift variant.
Genome position (GRCh38, 1-based): chr20:10,672,898, G deleted on the plus strand (C on the coding strand, the reverse complement: JAG1 is on the minus strand); the first of 2 consecutive G bases (chr20:10,672,898-10,672,899); deleting either gives the same sequence. VCF-style (leftmost placement, unchanged base first): chr20-10672897-CG-C. GRCh37 (hg19) VCF-style: chr20-10653545-CG-C.
Other names: short protein forms R64fs.
Identifiers: ClinVar variation 2572559 (VCV002572559.1), dbSNP rs2514538001, ClinGen allele CA2580615001.

ClinVar aggregate classification (germline): Likely pathogenic (1 of 4 stars; one submission).

Conditions:
Alagille syndrome due to a JAG1 point mutation. Also called: HEPATIC DUCTULAR HYPOPLASIA, SYNDROMATIC; Alagille Syndrome 1; JAG1-Related Alagille Syndrome. Identifiers: Orphanet 261619, Orphanet 52, MedGen C1956125, MONDO:0016862, OMIM 118450.

Submission:

3billion
Classification: Likely pathogenic for Alagille syndrome due to a JAG1 point mutation. Review status: criteria provided, single submitter. Criteria: ACMG Guidelines, 2015. Collection method: clinical testing. Allele origin: unknown. Affected: yes. Observed: 1 heterozygote.
Comment: The variant is not observed in the gnomAD v2.1.1 dataset. The variant is predicted to result in a loss or disruption of normal protein function through nonsense-mediated decay (NMD) or protein truncation. Multiple pathogenic variants are reported downstream of the variant. Therefore, this variant is classified as Likely pathogenic according to the recommendation of ACMG/AMP guideline.